The following is an entry in ClinVar:

ClinVar aggregate classification (germline): Uncertain significance (1 of 4 stars; one submission).

Conditions:
Adult-onset proximal spinal muscular atrophy, autosomal dominant. Also called: Spinal muscular atrophy, late-onset, finkel type; FINKEL LATE-ADULT TYPE SMA. Identifiers: Orphanet 209335, MedGen C1854058, MONDO:0008453, OMIM 182980.
Amyotrophic lateral sclerosis type 8 (ALS8). Identifiers: Orphanet 803, MedGen C1837728, MONDO:0012077, OMIM 608627.

Allele frequency attached by ClinVar (database versions not stated): gnomAD 0.00001; gnomAD exomes 0.00002; TOPMed 0.00002.
gnomAD v4.1: 27 of 1,613,984 alleles (0.0017%); highest among the groups gnomAD compares: Non-Finnish European, 0.0023%; no homozygotes.

Submission:

Labcorp Genetics (formerly Invitae), Labcorp
Classification: Uncertain significance for Adult-onset proximal spinal muscular atrophy, autosomal dominant; Amyotrophic lateral sclerosis type 8. Last evaluated: 2024-02-27. Review status: criteria provided, single submitter. Criteria: Invitae Variant Classification Sherloc (09022015). Collection method: clinical testing. Allele origin: germline.
Comment: This sequence change replaces lysine, which is basic and polar, with asparagine, which is neutral and polar, at codon 31 of the VAPB protein (p.Lys31Asn). The frequency data for this variant in the population databases is considered unreliable, as metrics indicate poor data quality at this position in the gnomAD database. This variant has not been reported in the literature in individuals affected with VAPB-related conditions. ClinVar contains an entry for this variant (Variation ID: 2414294). Advanced modeling of protein sequence and biophysical properties (such as structural, functional, and spatial information, amino acid conservation, physicochemical variation, residue mobility, and thermodynamic stability) has been performed at Invitae for this missense variant, however the output from this modeling did not meet the statistical confidence thresholds required to predict the impact of this variant on VAPB protein function. In summary, the available evidence is currently insufficient to determine the role of this variant in disease. Therefore, it has been classified as a Variant of Uncertain Significance.

NM_004738.5(VAPB):c.93G>T (p.Lys31Asn)

Gene: VAPB (VAMP associated protein B and C; plus strand). Cytogenetic location: 20q13.32.
Variant type: single nucleotide variant.
Coding change: c.93G>T on transcript NM_004738.5 (MANE Select); coding-DNA position 93, G replaced by T.
Protein change: p.Lys31Asn; replaces lysine 31 with asparagine.
Molecular consequence: missense variant. On other transcripts: non-coding transcript variant (1).
Genome position (GRCh38, 1-based): chr20:58,418,245, G>T. VCF-style: chr20-58418245-G-T. GRCh37 (hg19) VCF-style: chr20-56993301-G-T.
Other names: c.93G>T, p.Lys31Asn (NM_001195677.2); short protein forms K31N.
Identifiers: ClinVar variation 2414294 (VCV002414294.5), dbSNP rs989909629, ClinGen allele CA316295617.